The following is an entry in ClinVar:

ClinVar aggregate classification (germline): Pathogenic (1 of 4 stars; one submission).

Conditions:
COG7 congenital disorder of glycosylation (CDG2E). Also called: CONGENITAL DISORDER OF GLYCOSYLATION, TYPE IIe; CDG IIe. Identifiers: Orphanet 79333, MedGen C2931010, MONDO:0012118, OMIM 608779.

gnomAD v4.1: 45 of 1,614,112 alleles (0.0028%); highest among the groups gnomAD compares: South Asian, 0.036%; no homozygotes.

Submission:

Labcorp Genetics (formerly Invitae), Labcorp
Classification: Pathogenic for COG7 congenital disorder of glycosylation. Last evaluated: 2024-08-12. Review status: criteria provided, single submitter. Criteria: Invitae Variant Classification Sherloc (09022015). Collection method: clinical testing. Allele origin: germline.
Comment: This sequence change creates a premature translational stop signal (p.Arg568*) in the COG7 gene. It is expected to result in an absent or disrupted protein product. Loss-of-function variants in COG7 are known to be pathogenic (PMID: 21811164). This variant is present in population databases (rs777724580, gnomAD 0.05%). This variant has not been reported in the literature in individuals affected with COG7-related conditions. For these reasons, this variant has been classified as Pathogenic.

Literature cited by the submitters: PubMed 21811164.

NM_153603.4(COG7):c.1702C>T (p.Arg568Ter)

Gene: COG7 (component of oligomeric golgi complex 7; minus strand). Cytogenetic location: 16p12.2.
Variant type: single nucleotide variant.
Coding change: c.1702C>T on transcript NM_153603.4 (MANE Select); coding-DNA position 1702, C replaced by T.
Protein change: p.Arg568Ter; replaces arginine 568 with a stop codon.
Molecular consequence: nonsense.
Genome position (GRCh38, 1-based): chr16:23,403,795, G>A on the plus strand (C>T on the coding strand, the complement: COG7 is on the minus strand). VCF-style: chr16-23403795-G-A. GRCh37 (hg19) VCF-style: chr16-23415116-G-A.
Other names: short protein forms R568*.
Identifiers: ClinVar variation 3615091 (VCV003615091.2).